The following is an entry in ClinVar:

ClinVar aggregate classification (germline): Uncertain significance (1 of 4 stars; one submission).

Submission:

Labcorp Genetics (formerly Invitae), Labcorp
Classification: Uncertain significance. Last evaluated: 2021-01-29. Review status: criteria provided, single submitter. Criteria: Invitae Variant Classification Sherloc (09022015). Collection method: clinical testing. Allele origin: germline.
Comment: This variant is not present in population databases (ExAC no frequency). This variant, c.362_364dup, results in the insertion of 1 amino acid(s) to the TBCK protein (p.Asn121dup), but otherwise preserves the integrity of the reading frame. This variant has not been reported in the literature in individuals with TBCK-related conditions. Experimental studies and prediction algorithms are not available or were not evaluated, and the functional significance of this variant is currently unknown. In summary, the available evidence is currently insufficient to determine the role of this variant in disease. Therefore, it has been classified as a Variant of Uncertain Significance.

NM_001163435.3(TBCK):c.359ATA[3] (p.Asn121dup)

Gene: TBCK (TBC1 domain containing kinase; minus strand). Cytogenetic location: 4q24.
Variant type: Microsatellite.
Coding change: c.359ATA[3] on transcript NM_001163435.3 (MANE Select); three copies in a row of the 3-base unit ATA starting at c.359; the reference has two copies in a row; one copy, 3 bases duplicated.
Protein change: p.Asn121dup; duplicates asparagine 121.
Molecular consequence: inframe insertion. On other transcripts: 5 prime UTR variant (1), intron variant (1).
Genome position (GRCh38, 1-based): chr4:106,262,115-106,262,117, TAT duplicated on the plus strand (ATA on the coding strand, the reverse complement: TBCK is on the minus strand); duplicating any 3 consecutive bases within chr4:106,262,115-106,262,120 gives the same sequence; the position shown is the placement nearest the transcript's 3' end. VCF-style (leftmost placement, unchanged base first): chr4-106262114-A-ATAT. GRCh37 (hg19) VCF-style: chr4-107183271-A-ATAT.
Other names: c.359ATA[3], p.Asn121dup (NM_001163436.4, NM_001163437.3); c.-259ATA[3] (NM_001290768.2); c.267-10113ATA[3] (NM_033115.5).
Identifiers: ClinVar variation 1490894 (VCV001490894.7), dbSNP rs1323830239, ClinGen allele CA784900488.